The following is an entry in ClinVar:

NM_019594.4(LRRC8A):c.1270G>A (p.Ala424Thr)

Gene: LRRC8A (leucine rich repeat containing 8 VRAC subunit A; plus strand). Cytogenetic location: 9q34.11.
Variant type: single nucleotide variant.
Coding change: c.1270G>A on transcript NM_019594.4 (MANE Select); coding-DNA position 1270, G replaced by A.
Protein change: p.Ala424Thr; replaces alanine 424 with threonine.
Molecular consequence: missense variant.
Genome position (GRCh38, 1-based): chr9:128,908,434, G>A. VCF-style: chr9-128908434-G-A. GRCh37 (hg19) VCF-style: chr9-131670713-G-A.
Other names: c.1270G>A, p.Ala424Thr (NM_001127244.2, NM_001127245.2); short protein forms A424T.
Identifiers: ClinVar variation 1388176 (VCV001388176.6), dbSNP rs781226116, ClinGen allele CA5270859.
Genomic context (GRCh38, chr9:128,908,434, plus strand): 5'-CAGCTGAACCTCAACAACGAGTGGACGCTGGACAAGCTCCGGCAGCGGCTCACCAAGAAC[G>A]CGCAGGACAAGCTGGAGCTGCACCTGTTCATGCTCAGTGGCATCCCTGACACTGTGTTTG-3'
Protein context (NP_062540.2, residues 414-434): DKLRQRLTKN[Ala424Thr]QDKLELHLFM

ClinVar aggregate classification (germline): Uncertain significance (1 of 4 stars; one submission).

Allele frequency attached by ClinVar (database versions not stated): gnomAD exomes below 0.00001; ExAC 0.00001.
gnomAD v4.1: 6 of 1,613,470 alleles (0.00037%); highest among the groups gnomAD compares: South Asian, 0.0011%; no homozygotes.

Submission:

Labcorp Genetics (formerly Invitae), Labcorp
Classification: Uncertain significance. Last evaluated: 2022-03-18. Review status: criteria provided, single submitter. Criteria: Invitae Variant Classification Sherloc (09022015). Collection method: clinical testing. Allele origin: germline.
Comment: In summary, the available evidence is currently insufficient to determine the role of this variant in disease. Therefore, it has been classified as a Variant of Uncertain Significance. This sequence change replaces alanine, which is neutral and non-polar, with threonine, which is neutral and polar, at codon 424 of the LRRC8A protein (p.Ala424Thr). This variant is present in population databases (rs781226116, gnomAD 0.003%). This variant has not been reported in the literature in individuals affected with LRRC8A-related conditions. Algorithms developed to predict the effect of missense changes on protein structure and function (SIFT, PolyPhen-2, Align-GVGD) all suggest that this variant is likely to be tolerated.